The following is an entry in ClinVar:

NM_001453.3(FOXC1):c.1455G>C (p.Leu485Phe)

Gene: FOXC1 (forkhead box C1; plus strand). Cytogenetic location: 6p25.3.
Variant type: single nucleotide variant.
Coding change: c.1455G>C on transcript NM_001453.3 (MANE Select); coding-DNA position 1455, G replaced by C.
Protein change: p.Leu485Phe; replaces leucine 485 with phenylalanine.
Molecular consequence: missense variant.
Genome position (GRCh38, 1-based): chr6:1,611,900, G>C. VCF-style: chr6-1611900-G-C. GRCh37 (hg19) VCF-style: chr6-1612135-G-C.
Other names: short protein forms L485F.
Identifiers: ClinVar variation 3638206 (VCV003638206.2).

ClinVar aggregate classification (germline): Uncertain significance (1 of 4 stars; one submission).

Conditions:
Axenfeld-Rieger syndrome type 3 (RIEG3). Also called: AXENFELD-RIEGER ANOMALY WITH CARDIAC DEFECTS AND/OR SENSORINEURAL HEARING LOSS. Identifiers: Orphanet 782, MedGen C2678503, MONDO:0011233, OMIM 602482.

Submission:

Labcorp Genetics (formerly Invitae), Labcorp
Classification: Uncertain significance for Axenfeld-Rieger syndrome type 3. Last evaluated: 2024-02-10. Review status: criteria provided, single submitter. Criteria: Invitae Variant Classification Sherloc (09022015). Collection method: clinical testing. Allele origin: germline.
Comment: This sequence change replaces leucine, which is neutral and non-polar, with phenylalanine, which is neutral and non-polar, at codon 485 of the FOXC1 protein (p.Leu485Phe). This variant is not present in population databases (gnomAD no frequency). This variant has not been reported in the literature in individuals affected with FOXC1-related conditions. An algorithm developed to predict the effect of missense changes on protein structure and function (PolyPhen-2) suggests that this variant is likely to be disruptive. In summary, the available evidence is currently insufficient to determine the role of this variant in disease. Therefore, it has been classified as a Variant of Uncertain Significance.